The following is an entry in ClinVar:

ClinVar aggregate classification (germline): Uncertain significance (1 of 4 stars; one submission).

Submission:

Labcorp Genetics (formerly Invitae), Labcorp
Classification: Uncertain significance. Last evaluated: 2022-09-13. Review status: criteria provided, single submitter. Criteria: Invitae Variant Classification Sherloc (09022015). Collection method: clinical testing. Allele origin: germline.
Comment: This sequence change creates a premature translational stop signal (p.Asp1179Alafs*7) in the TRPM1 gene. While this is not anticipated to result in nonsense mediated decay, it is expected to disrupt the last 425 amino acid(s) of the TRPM1 protein. This variant is not present in population databases (gnomAD no frequency). This variant has not been reported in the literature in individuals affected with TRPM1-related conditions. In summary, the available evidence is currently insufficient to determine the role of this variant in disease. Therefore, it has been classified as a Variant of Uncertain Significance.

NM_001252024.2(TRPM1):c.3602_3606del (p.Asp1201fs)

Genes: TRPM1 (transient receptor potential cation channel subfamily M member 1; minus strand), LOC126862088 (BRD4-independent group 4 enhancer GRCh37_chr15:31318084-31319283; plus strand). Cytogenetic location: 15q13.3.
Variant type: Deletion.
Coding change: c.3602_3606del on transcript NM_001252024.2 (MANE Select); coding-DNA positions 3602 to 3606, 5 bases deleted (ACGAG; older notation c.3602_3606delACGAG).
Protein change: p.Asp1201fs; shifts the reading frame from aspartic acid 1201.
Molecular consequence: frameshift variant.
Genome position (GRCh38, 1-based): chr15:31,026,162-31,026,166, CTCGT deleted on the plus strand (ACGAG on the coding strand, the reverse complement: TRPM1 is on the minus strand); deleting any 5 consecutive bases within chr15:31,026,162-31,026,167 gives the same sequence; the c. name uses the placement nearest the transcript's 3' end. VCF-style (leftmost placement, unchanged base first): chr15-31026161-GCTCGT-G. GRCh37 (hg19) VCF-style: chr15-31318364-GCTCGT-G.
Other names: c.3653_3657del, p.Asp1218fs (NM_001252020.2); c.3536_3540del, p.Asp1179fs (NM_002420.6); short protein forms D1179fs, D1201fs, D1218fs.
Identifiers: ClinVar variation 2138010 (VCV002138010.1), dbSNP rs2543159379, ClinGen allele CA2580089195.
Genomic context (GRCh38, chr15:31,026,161, plus strand): 5'-CTTGGCTCACGGGCCCGCGGTGGGGACGCTACACGTACCTTTCAGAAGTGACCCGGATGC[GCTCGT>G]CGCTGGACGACTGCTGCTCATCCTCCTTCTCCCGGAAGTGCTCCTGCACGCACTGCTCCT-3'